The following is an entry in ClinVar:

NM_015602.4(TOR1AIP1):c.289G>A (p.Glu97Lys)

Genes: TOR1AIP1 (torsin 1A interacting protein 1; plus strand), LOC112577517 (Sharpr-MPRA regulatory region 13766; plus strand). Cytogenetic location: 1q25.2.
Variant type: single nucleotide variant.
Coding change: c.289G>A on transcript NM_015602.4 (MANE Select); coding-DNA position 289, G replaced by A.
Protein change: p.Glu97Lys; replaces glutamic acid 97 with lysine.
Molecular consequence: missense variant.
Genome position (GRCh38, 1-based): chr1:179,882,791, G>A. VCF-style: chr1-179882791-G-A. GRCh37 (hg19) VCF-style: chr1-179851926-G-A.
Other names: c.289G>A (NM_015602.2); c.289G>A, p.Glu97Lys (NM_001267578.2); short protein forms E97K.
Identifiers: ClinVar variation 1020640 (VCV001020640.6), dbSNP rs761950048, ClinGen allele CA1268706.

ClinVar aggregate classification (germline): Uncertain significance. Review status: criteria provided, multiple submitters, no conflicts (2 of 4 stars). 2 submissions from 2 submitters: Uncertain significance (2). Last evaluated 2025-03-15.

Conditions:
Autosomal recessive limb-girdle muscular dystrophy type 2Y (MRRSDC). Also called: Muscular dystrophy, limb-girdle, type 2y; Muscular dystrophy, autosomal recessive, with rigid spine and distal joint contractures. Identifiers: Orphanet 424261, MedGen C4511482, MONDO:0014900, OMIM 617072.
Inborn genetic diseases. Identifiers: MedGen C0950123, MeSH D030342.

Allele frequency attached by ClinVar (database versions not stated): gnomAD exomes below 0.00001; TOPMed below 0.00001; ExAC 0.00001; gnomAD 0.00002.
gnomAD v4.1: 21 of 1,614,096 alleles (0.0013%); highest among the groups gnomAD compares: Non-Finnish European, 0.0018%; no homozygotes.

Submissions (2):

Ambry Genetics
Classification: Uncertain significance for Inborn genetic diseases. Last evaluated: 2025-03-15. Review status: criteria provided, single submitter. Criteria: Ambry Variant Classification Scheme 2023. Collection method: clinical testing. Allele origin: germline.

Labcorp Genetics (formerly Invitae), Labcorp
Classification: Uncertain significance for Autosomal recessive limb-girdle muscular dystrophy type 2Y. Last evaluated: 2022-08-16. Review status: criteria provided, single submitter. Criteria: Invitae Variant Classification Sherloc (09022015). Collection method: clinical testing. Allele origin: germline.
Comment: This variant has not been reported in the literature in individuals affected with TOR1AIP1-related conditions. This variant is present in population databases (rs761950048, gnomAD 0.002%). This sequence change replaces glutamic acid, which is acidic and polar, with lysine, which is basic and polar, at codon 97 of the TOR1AIP1 protein (p.Glu97Lys). ClinVar contains an entry for this variant (Variation ID: 1020640). In summary, the available evidence is currently insufficient to determine the role of this variant in disease. Therefore, it has been classified as a Variant of Uncertain Significance. Algorithms developed to predict the effect of missense changes on protein structure and function are either unavailable or do not agree on the potential impact of this missense change (SIFT: "Tolerated"; PolyPhen-2: "Possibly Damaging"; Align-GVGD: "Class C0").